The following is an entry in ClinVar:

NM_030665.4(RAI1):c.2220C>T (p.Ser740=)

Gene: RAI1 (retinoic acid induced 1; plus strand). Cytogenetic location: 17p11.2.
Variant type: single nucleotide variant.
Coding change: c.2220C>T on transcript NM_030665.4 (MANE Select); coding-DNA position 2220, C replaced by T.
Protein change: p.Ser740=; no amino-acid change (serine 740 retained).
Molecular consequence: synonymous variant.
Genome position (GRCh38, 1-based): chr17:17,795,168, C>T. VCF-style: chr17-17795168-C-T. GRCh37 (hg19) VCF-style: chr17-17698482-C-T.
Identifiers: ClinVar variation 167559 (VCV000167559.39), dbSNP rs149807469, ClinGen allele CA234758.

ClinVar aggregate classification (germline): Conflicting classifications of pathogenicity. Review status: criteria provided, conflicting classifications (1 of 4 stars). 5 submissions from 5 submitters: Uncertain significance (1); Likely benign (3). 1 of the submissions does not count toward it. Last evaluated 2025-12-15.

Conditions:
RAI1-related disorder. Also called: RAI1-related condition.

Allele frequency attached by ClinVar (database versions not stated): gnomAD 0.00003 and 0.00004; gnomAD exomes 0.00005 and 0.00008; TOPMed 0.00005; ExAC 0.00007; ESP Exome Variant Server 0.00008.

Submissions (5):

Labcorp Genetics (formerly Invitae), Labcorp
Classification: Likely benign. Last evaluated: 2025-12-15. Review status: criteria provided, single submitter. Criteria: Invitae Variant Classification Sherloc (09022015). Collection method: clinical testing. Allele origin: germline.

CeGaT Center for Human Genetics Tuebingen
Classification: Likely benign. Last evaluated: 2022-07-01. Review status: criteria provided, single submitter. Criteria: CeGaT Center For Human Genetics Tuebingen Variant Classification Criteria Version 2. Collection method: clinical testing. Allele origin: germline. Affected: yes. Observed: 1 variant allele.
Comment: RAI1: BP4, BP7

GeneDx
Classification: Likely benign. Last evaluated: 2020-06-10. Review status: criteria provided, single submitter. Criteria: GeneDx Variant Classification Process June 2021. Collection method: clinical testing. Allele origin: germline. Affected: yes.

Eurofins Ntd Llc (ga)
Classification: Uncertain significance. Last evaluated: 2013-12-18. Review status: criteria provided, single submitter. Criteria: EGL Classification Definitions 2015. Collection method: clinical testing. Allele origin: germline. Observed: 1 variant allele, 1 heterozygote.

PreventionGenetics, part of Exact Sciences
Classification: Likely benign for RAI1-related condition. Last evaluated: 2019-09-26. Review status: no assertion criteria provided. Collection method: clinical testing. Allele origin: germline. Not counted in ClinVar's aggregate classification.
Comment: This variant is classified as likely benign based on ACMG/AMP sequence variant interpretation guidelines (Richards et al. 2015 PMID: 25741868, with internal and published modifications).